The following is an entry in ClinVar:

ClinVar aggregate classification (germline): Pathogenic (1 of 4 stars; one submission).

Submission:

Labcorp Genetics (formerly Invitae), Labcorp
Classification: Pathogenic. Last evaluated: 2023-07-03. Review status: criteria provided, single submitter. Criteria: Invitae Variant Classification Sherloc (09022015). Collection method: clinical testing. Allele origin: germline.
Comment: This sequence change creates a premature translational stop signal (p.Glu1518Thrfs*50) in the ITGB4 gene. It is expected to result in an absent or disrupted protein product. Loss-of-function variants in ITGB4 are known to be pathogenic (PMID: 11328943, 16473856). This variant is present in population databases (rs768872194, gnomAD 0.02%). This variant has not been reported in the literature in individuals affected with ITGB4-related conditions. For these reasons, this variant has been classified as Pathogenic.

Literature cited by the submitters: PubMed 11328943; PubMed 16473856.

NM_000213.5(ITGB4):c.4762_4765del (p.Glu1588fs)

Genes: GALK1 (galactokinase 1; minus strand), ITGB4 (integrin subunit beta 4; plus strand). Cytogenetic location: 17q25.1.
Variant type: Deletion.
Coding change: c.4762_4765del on transcript NM_000213.5 (MANE Select); coding-DNA positions 4762 to 4765, 4 bases deleted (GAAG; older notation c.4762_4765delGAAG).
Protein change: p.Glu1588fs; shifts the reading frame from glutamic acid 1588.
Molecular consequence: frameshift variant. On other transcripts: intron variant (1).
Genome position (GRCh38, 1-based): chr17:75,756,482-75,756,485, GAAG deleted; deleting any 4 consecutive bases within chr17:75,756,481-75,756,485 gives the same sequence; the c. name uses the placement nearest the transcript's 3' end. VCF-style (leftmost placement, unchanged base first): chr17-75756480-TGGAA-T. GRCh37 (hg19) VCF-style: chr17-73752561-TGGAA-T.
Other names: c.4711_4714del, p.Glu1571fs (NM_001005619.2); c.4552_4555del, p.Glu1518fs (NM_001005731.3, NM_001321123.2); c.4402_4405del, p.Glu1468fs (NM_001438834.1); c.*22+1550_*22+1553del (NM_001381985.1); short protein forms E1588fs, E1518fs, E1571fs, E1468fs.
Identifiers: ClinVar variation 2789692 (VCV002789692.3), dbSNP rs768872194, ClinGen allele CA8770310.